The following is an entry in ClinVar:

NM_022455.5(NSD1):c.569A>G (p.Asn190Ser)

Gene: NSD1 (nuclear receptor binding SET domain protein 1; plus strand). Cytogenetic location: 5q35.3.
Variant type: single nucleotide variant.
Coding change: c.569A>G on transcript NM_022455.5 (MANE Select); coding-DNA position 569, A replaced by G.
Protein change: p.Asn190Ser; replaces asparagine 190 with serine.
Molecular consequence: missense variant. On other transcripts: intron variant (8).
Genome position (GRCh38, 1-based): chr5:177,135,672, A>G. VCF-style: chr5-177135672-A-G. GRCh37 (hg19) VCF-style: chr5-176562673-A-G.
Other names: c.569A>G, p.Asn190Ser (NM_001409301.1, NM_001409302.1, NM_001409303.1); c.417+152A>G (NM_001409304.1); c.-36-269A>G (NM_001409305.1, NM_001409306.1, NM_001409308.1 and 4 more transcripts); short protein forms N190S.
Identifiers: ClinVar variation 3350123 (VCV003350123.3).

ClinVar aggregate classification (germline): Likely benign. Review status: criteria provided, single submitter (1 of 4 stars). 2 submissions from 2 submitters: Likely benign (1). 1 of the submissions does not count toward it. Last evaluated 2024-05-10.

Conditions:
NSD1-related disorder. Also called: NSD1-related condition.

gnomAD v4.1: 2 of 1,614,226 alleles (0.00012%); highest among the groups gnomAD compares: East Asian, 0.0022%; no homozygotes.

Submissions (2):

Labcorp Genetics (formerly Invitae), Labcorp
Classification: Likely benign. Last evaluated: 2024-05-10. Review status: criteria provided, single submitter. Criteria: Invitae Variant Classification Sherloc (09022015). Collection method: clinical testing. Allele origin: germline.

PreventionGenetics, part of Exact Sciences
Classification: Uncertain significance for NSD1-related condition. Last evaluated: 2024-04-04. Review status: no assertion criteria provided. Collection method: clinical testing. Allele origin: germline. Not counted in ClinVar's aggregate classification.
Comment: The NSD1 c.569A>G variant is predicted to result in the amino acid substitution p.Asn190Ser. To our knowledge, this variant has not been reported in the literature. This variant is reported in 0.0054% of alleles in individuals of East Asian descent in gnomAD. At this time, the clinical significance of this variant is uncertain due to the absence of conclusive functional and genetic evidence.